The following is an entry in ClinVar:

ClinVar aggregate classification (germline): Uncertain significance (1 of 4 stars; one submission).

Conditions:
BEST1-related disorder. Also called: BEST1-related disorders; BEST1-related condition. Identifiers: MedGen CN239200.

gnomAD v4.1: 1 of 1,612,422 alleles (0.000062%); highest among the groups gnomAD compares: Non-Finnish European, 0.000085%; no homozygotes.

Submission:

PreventionGenetics, part of Exact Sciences
Classification: Uncertain significance for BEST1-related condition. Last evaluated: 2025-06-25. Review status: criteria provided, single submitter. Criteria: ACMG Guidelines, 2015. Collection method: clinical testing. Allele origin: germline.
Comment: The BEST1 c.1043C>G variant is predicted to result in the amino acid substitution p.Thr348Arg. To our knowledge, this variant has not been reported in the literature or in a large population database (gnomAD), indicating this variant is rare. At this time, the clinical significance of this variant is uncertain due to the absence of conclusive functional and genetic evidence.

NM_004183.4(BEST1):c.1043C>G (p.Thr348Arg)

Gene: BEST1 (bestrophin 1; plus strand). Cytogenetic location: 11q12.3.
Variant type: single nucleotide variant.
Coding change: c.1043C>G on transcript NM_004183.4 (MANE Select); coding-DNA position 1043, C replaced by G.
Protein change: p.Thr348Arg; replaces threonine 348 with arginine.
Molecular consequence: missense variant. On other transcripts: non-coding transcript variant (1).
Genome position (GRCh38, 1-based): chr11:61,959,986, C>G. VCF-style: chr11-61959986-C-G. GRCh37 (hg19) VCF-style: chr11-61727458-C-G.
Other names: c.863C>G, p.Thr288Arg (NM_001139443.3, NM_001300787.2); c.782C>G, p.Thr261Arg (NM_001300786.2, NM_001440574.1); c.725C>G, p.Thr242Arg (NM_001363591.3); c.1246C>G, p.Gln416Glu (NM_001363592.2); c.71C>G, p.Thr24Arg (NM_001363593.3); c.1043C>G, p.Thr348Arg (NM_001440571.1); c.962C>G, p.Thr321Arg (NM_001440572.1); c.890C>G, p.Thr297Arg (NM_001440573.1); and 2 more; short protein forms T24R, T261R, T288R, T348R, Q416E, T210R, T242R, T297R.
Identifiers: ClinVar variation 5001953 (VCV005001953.1).
Genomic context (GRCh38, chr11:61,959,986, plus strand): 5'-ACCTGCCTCGGATGGAGCCGGACATGTACTGGAATAAGCCCGAGCCACAGCCCCCCTACA[C>G]AGCTGCTTCCGCCCAGTTCCGTCGAGCCTCCTTTATGGGCTCCACCTTCAACATCAGGTG-3'
Protein context (NP_004174.1, residues 338-358): WNKPEPQPPY[Thr348Arg]AASAQFRRAS